The following is an entry in ClinVar:

ClinVar aggregate classification (germline): Pathogenic/Likely pathogenic. Review status: criteria provided, multiple submitters, no conflicts (2 of 4 stars). 2 submissions from 2 submitters: Pathogenic (1); Likely pathogenic (1). Last evaluated 2025-02-01.

Conditions:
Joubert syndrome and related disorders. Identifiers: Orphanet 140874, MedGen C5679612, MONDO:0015369.
CC2D2A-related disorder. Also called: CC2D2A-related condition; CC2D2A-related disorders. Identifiers: MedGen CN239313.

gnomAD v4.1: 2 of 1,603,628 alleles (0.00012%); highest among the groups gnomAD compares: East Asian, 0.0022%; no homozygotes.

Submissions (2):

Myriad Genetics, Inc.
Classification: Pathogenic for Joubert syndrome and related disorders. Last evaluated: 2025-02-01. Review status: criteria provided, single submitter. Criteria: Myriad Autosomal Dominant, Autosomal Recessive and X-Linked Classification Criteria (2023). Collection method: clinical testing. Allele origin: unknown.
Comment: NM_001080522.2(CC2D2A):c.325C>T(Q109*) is expected to be pathogenic in the context of CC2D2A-related disorders. This variant is predicted to lead to an abnormal or absent protein product due to the creation of a premature termination codon in CC2D2A, a gene where loss-of-function variants are known to be pathogenic. Please note: this variant was assessed in the context of healthy population screening.

Blueprint Genetics
Classification: Likely pathogenic for CC2D2A-related disorders. Last evaluated: 2021-07-14. Review status: criteria provided, single submitter. Criteria: ACMG Guidelines, 2015. Collection method: clinical testing. Allele origin: germline. Affected: yes. Observed: 2 variant alleles.

NM_001378615.1(CC2D2A):c.325C>T (p.Gln109Ter)

Genes: CC2D2A (coiled-coil and C2 domain containing 2A; plus strand), FBXL5 (F-box and leucine rich repeat protein 5; minus strand). Cytogenetic location: 4p15.32.
Variant type: single nucleotide variant.
Coding change: c.325C>T on transcript NM_001378615.1 (MANE Select); coding-DNA position 325, C replaced by T.
Protein change: p.Gln109Ter; replaces glutamine 109 with a stop codon.
Molecular consequence: nonsense.
Genome position (GRCh38, 1-based): chr4:15,502,506, C>T. VCF-style: chr4-15502506-C-T. GRCh37 (hg19) VCF-style: chr4-15504129-C-T.
Other names: c.325C>T, p.Gln109Ter (NM_001080522.2); c.178C>T, p.Gln60Ter (NM_001378617.1); short protein forms Q109*, Q60*.
Identifiers: ClinVar variation 4966531 (VCV004966531.2).